The following is an entry in ClinVar:

ClinVar aggregate classification (germline): Uncertain significance (1 of 4 stars; one submission).

Allele frequency attached by ClinVar (database versions not stated): ExAC 0.00002; gnomAD exomes 0.00002 and 0.00003; gnomAD 0.00003 and 0.00004; TOPMed 0.00006; ESP Exome Variant Server 0.00008.
gnomAD v4.1: 29 of 1,613,824 alleles (0.0018%); highest among the groups gnomAD compares: African/African-American, 0.0067%; no homozygotes.

Submission:

Labcorp Genetics (formerly Invitae), Labcorp
Classification: Uncertain significance. Last evaluated: 2021-12-16. Review status: criteria provided, single submitter. Criteria: Invitae Variant Classification Sherloc (09022015). Collection method: clinical testing. Allele origin: germline.
Comment: This sequence change replaces arginine, which is basic and polar, with cysteine, which is neutral and slightly polar, at codon 1494 of the TTC37 protein (p.Arg1494Cys). This variant is present in population databases (rs373485467, gnomAD 0.006%). This variant has not been reported in the literature in individuals affected with TTC37-related conditions. Algorithms developed to predict the effect of missense changes on protein structure and function output the following: SIFT: "Tolerated"; PolyPhen-2: "Benign"; Align-GVGD: "Class C0". The cysteine amino acid residue is found in multiple mammalian species, which suggests that this missense change does not adversely affect protein function. In summary, the available evidence is currently insufficient to determine the role of this variant in disease. Therefore, it has been classified as a Variant of Uncertain Significance.

NM_014639.4(SKIC3):c.4480C>T (p.Arg1494Cys)

Gene: SKIC3 (SKI3 subunit of superkiller complex; minus strand). Cytogenetic location: 5q15.
Variant type: single nucleotide variant.
Coding change: c.4480C>T on transcript NM_014639.4 (MANE Select); coding-DNA position 4480, C replaced by T.
Protein change: p.Arg1494Cys; replaces arginine 1494 with cysteine.
Molecular consequence: missense variant.
Genome position (GRCh38, 1-based): chr5:95,469,796, G>A on the plus strand (C>T on the coding strand, the complement: SKIC3 is on the minus strand). VCF-style: chr5-95469796-G-A. GRCh37 (hg19) VCF-style: chr5-94805500-G-A.
Other names: short protein forms R1494C.
Identifiers: ClinVar variation 1381282 (VCV001381282.5), dbSNP rs373485467, ClinGen allele CA3346385.